The following is an entry in ClinVar:

ClinVar aggregate classification (germline): Conflicting classifications of pathogenicity. Review status: criteria provided, conflicting classifications (1 of 4 stars). 4 submissions from 4 submitters: Uncertain significance (2); Likely benign (1). 1 of the submissions does not count toward it. Last evaluated 2026-01-26.

Conditions:
Primary ciliary dyskinesia. Also called: Ciliary dyskinesia. Identifiers: Orphanet 244, MedGen C0008780, MONDO:0016575, HP:0012265.

Allele frequency attached by ClinVar (database versions not stated): gnomAD 0.00001; ExAC 0.00002; gnomAD exomes 0.00002 and 0.00004; TOPMed 0.00004.
gnomAD v4.1: 12 of 1,607,286 alleles (0.00075%); highest among the groups gnomAD compares: Admixed American, 0.02%; no homozygotes.

Submissions (4):

Labcorp Genetics (formerly Invitae), Labcorp
Classification: Likely benign for Primary ciliary dyskinesia. Last evaluated: 2026-01-26. Review status: criteria provided, single submitter. Criteria: Invitae Variant Classification Sherloc (09022015). Collection method: clinical testing. Allele origin: germline.

GeneDx
Classification: Uncertain significance. Last evaluated: 2024-04-30. Review status: criteria provided, single submitter. Criteria: GeneDx Variant Classification Process June 2021. Collection method: clinical testing. Allele origin: germline. Affected: yes.
Comment: In silico analysis indicates that this missense variant does not alter protein structure/function; Has not been previously published as pathogenic or benign to our knowledge

Ambry Genetics
Classification: Uncertain significance for Primary ciliary dyskinesia. Last evaluated: 2023-03-16. Review status: criteria provided, single submitter. Criteria: Ambry Variant Classification Scheme 2023. Collection method: clinical testing. Allele origin: germline.
Comment: The p.I1423M variant (also known as c.4269A>G), located in coding exon 27 of the DNAH5 gene, results from an A to G substitution at nucleotide position 4269. The isoleucine at codon 1423 is replaced by methionine, an amino acid with highly similar properties. This amino acid position is conserved. In addition, this alteration is predicted to be tolerated by in silico analysis. Since supporting evidence is limited at this time, the clinical significance of this alteration remains unclear.

Natera, Inc.
Classification: Uncertain significance for Primary ciliary dyskinesia. Last evaluated: 2021-03-12. Review status: no assertion criteria provided. Collection method: clinical testing. Allele origin: germline. Not counted in ClinVar's aggregate classification.

NM_001369.3(DNAH5):c.4269A>G (p.Ile1423Met)

Genes: DNAH5 (dynein axonemal heavy chain 5; minus strand), DNAH5-AS1 (DNAH5 antisense RNA 1; plus strand). Cytogenetic location: 5p15.2.
Variant type: single nucleotide variant.
Coding change: c.4269A>G on transcript NM_001369.3 (MANE Select); coding-DNA position 4269, A replaced by G.
Protein change: p.Ile1423Met; replaces isoleucine 1423 with methionine.
Molecular consequence: missense variant.
Genome position (GRCh38, 1-based): chr5:13,865,754, T>C on the plus strand (A>G on the coding strand, the complement: DNAH5 is on the minus strand). VCF-style: chr5-13865754-T-C. GRCh37 (hg19) VCF-style: chr5-13865863-T-C.
Other names: short protein forms I1423M.
Identifiers: ClinVar variation 970939 (VCV000970939.14), dbSNP rs779020258, ClinGen allele CA3204030.